The following is an entry in ClinVar:

NM_000203.5(IDUA):c.1728-3C>G

Gene: IDUA (alpha-L-iduronidase; plus strand). Cytogenetic location: 4p16.3.
Variant type: single nucleotide variant.
Coding change: c.1728-3C>G on transcript NM_000203.5 (MANE Select); 3 bases into the intron before coding-DNA position 1728, C replaced by G.
Molecular consequence: intron variant.
Genome position (GRCh38, 1-based): chr4:1,004,009, C>G. VCF-style: chr4-1004009-C-G. GRCh37 (hg19) VCF-style: chr4-997797-C-G.
Other names: c.1332-3C>G (NM_001363576.1).
Identifiers: ClinVar variation 2108020 (VCV002108020.4), dbSNP rs1189340410, ClinGen allele CA437918943.

ClinVar aggregate classification (germline): Uncertain significance (1 of 4 stars; one submission).

Conditions:
Mucopolysaccharidosis type 1. Also called: Mucopolysaccharidosis Type I; IDUA deficiency; MPS I. Identifiers: Orphanet 579, MedGen C0023786, MONDO:0001586.

gnomAD v4.1: 8 of 1,611,126 alleles (0.0005%); highest among the groups gnomAD compares: Non-Finnish European, 0.00068%; no homozygotes.

Submission:

Labcorp Genetics (formerly Invitae), Labcorp
Classification: Uncertain significance for Mucopolysaccharidosis type 1. Last evaluated: 2022-06-22. Review status: criteria provided, single submitter. Criteria: Invitae Variant Classification Sherloc (09022015). Collection method: clinical testing. Allele origin: germline.
Comment: In summary, the available evidence is currently insufficient to determine the role of this variant in disease. Therefore, it has been classified as a Variant of Uncertain Significance. Variants that disrupt the consensus splice site are a relatively common cause of aberrant splicing (PMID: 17576681, 9536098). Algorithms developed to predict the effect of sequence changes on RNA splicing suggest that this variant may create or strengthen a splice site. This variant has not been reported in the literature in individuals affected with IDUA-related conditions. This variant is present in population databases (no rsID available, gnomAD 0.0009%). This sequence change falls in intron 12 of the IDUA gene. It does not directly change the encoded amino acid sequence of the IDUA protein. It affects a nucleotide within the consensus splice site.

Literature cited by the submitters: PubMed 17576681; PubMed 9536098.